The following is an entry in ClinVar:

NM_004821.3(HAND1):c.37C>T (p.His13Tyr)

Gene: HAND1 (heart and neural crest derivatives expressed 1; minus strand). Cytogenetic location: 5q33.2.
Variant type: single nucleotide variant.
Coding change: c.37C>T on transcript NM_004821.3 (MANE Select); coding-DNA position 37, C replaced by T.
Protein change: p.His13Tyr; replaces histidine 13 with tyrosine.
Molecular consequence: missense variant.
Genome position (GRCh38, 1-based): chr5:154,477,972, G>A on the plus strand (C>T on the coding strand, the complement: HAND1 is on the minus strand). VCF-style: chr5-154477972-G-A. GRCh37 (hg19) VCF-style: chr5-153857532-G-A.
Other names: short protein forms H13Y.
Identifiers: ClinVar variation 2091151 (VCV002091151.4), dbSNP rs769999347, ClinGen allele CA3526657.

ClinVar aggregate classification (germline): Uncertain significance (1 of 4 stars; one submission).

Conditions:
Hypoplastic left heart syndrome. Also called: Hypoplastic left heart; Hypoplastic left ventricle. Identifiers: Orphanet 2248, MedGen C0152101, MONDO:0004933, HP:0004383.

Allele frequency attached by ClinVar (database versions not stated): ExAC 0.00001; gnomAD exomes 0.00001; TOPMed 0.00001.
gnomAD v4.1: 5 of 1,598,268 alleles (0.00031%); highest among the groups gnomAD compares: Admixed American, 0.0083%; no homozygotes.

Submission:

Labcorp Genetics (formerly Invitae), Labcorp
Classification: Uncertain significance for Hypoplastic left heart syndrome. Last evaluated: 2022-10-13. Review status: criteria provided, single submitter. Criteria: Invitae Variant Classification Sherloc (09022015). Collection method: clinical testing. Allele origin: germline.
Comment: In summary, the available evidence is currently insufficient to determine the role of this variant in disease. Therefore, it has been classified as a Variant of Uncertain Significance. Algorithms developed to predict the effect of missense changes on protein structure and function are either unavailable or do not agree on the potential impact of this missense change (SIFT: "Deleterious"; PolyPhen-2: "Benign"; Align-GVGD: "Class C0"). This variant has not been reported in the literature in individuals affected with HAND1-related conditions. This variant is present in population databases (rs769999347, gnomAD 0.02%). This sequence change replaces histidine, which is basic and polar, with tyrosine, which is neutral and polar, at codon 13 of the HAND1 protein (p.His13Tyr).